The following is an entry in ClinVar:

NM_014915.3(ANKRD26):c.3G>A (p.Met1Ile)

Genes: ANKRD26 (ankyrin repeat domain 26; minus strand), LOC130003554 (ATAC-STARR-seq lymphoblastoid silent region 2243; plus strand). Cytogenetic location: 10p12.1.
Variant type: single nucleotide variant.
Coding change: c.3G>A on transcript NM_014915.3 (MANE Select); coding-DNA position 3, G replaced by A.
Protein change: p.Met1Ile; changes the start codon (methionine 1).
Molecular consequence: missense variant, initiator codon variant.
Genome position (GRCh38, 1-based): chr10:27,100,324, C>T on the plus strand (G>A on the coding strand, the complement: ANKRD26 is on the minus strand). VCF-style: chr10-27100324-C-T. GRCh37 (hg19) VCF-style: chr10-27389253-C-T.
Other names: c.3G>A, p.Met1Ile (NM_001256053.2); short protein forms M1I.
Identifiers: ClinVar variation 878948 (VCV000878948.18), dbSNP rs199683454, ClinGen allele CA5449096.

ClinVar aggregate classification (germline): Conflicting classifications of pathogenicity. Review status: criteria provided, conflicting classifications (1 of 4 stars). 7 submissions from 7 submitters: Uncertain significance (6); Benign (1). Last evaluated 2025-10-13.

Conditions:
ANKRD26-related disorder. Also called: ANKRD26-related condition.
Thrombocytopenia 2 (THC2). Also called: ANKRD26-Related Thrombocytopenia. Identifiers: Orphanet 268322, MedGen C1861185, MONDO:0008555, OMIM 188000.

Allele frequency attached by ClinVar (database versions not stated): TOPMed 0.00013; ESP Exome Variant Server 0.00017; gnomAD 0.00020 and 0.00021; gnomAD exomes 0.00022 and 0.00027; ExAC 0.00035.

Submissions (7):

Labcorp Genetics (formerly Invitae), Labcorp
Classification: Uncertain significance. Last evaluated: 2025-10-13. Review status: criteria provided, single submitter. Criteria: Invitae Variant Classification Sherloc (09022015). Collection method: clinical testing. Allele origin: germline.
Comment: This sequence change affects the initiator codon of the ANKRD26 mRNA. This change may impact translation initiation or efficiency. The next in-frame methionine is located at codon 79. This variant is present in population databases (rs199683454, gnomAD 0.05%), and has an allele count higher than expected for a pathogenic variant. Disruption of the initiator codon has been observed in individual(s) with myelodysplastic syndrome (PMID: 35295078). ClinVar contains an entry for this variant (Variation ID: 878948). Studies have shown that disruption of the initiator codon alters ANKRD26 gene expression (PMID: 28100250). In summary, the available evidence is currently insufficient to determine the role of this variant in disease. Therefore, it has been classified as a Variant of Uncertain Significance.

PreventionGenetics, part of Exact Sciences
Classification: Uncertain significance for ANKRD26-related condition. Last evaluated: 2024-12-10. Review status: criteria provided, single submitter. Criteria: ACMG Guidelines, 2015. Collection method: clinical testing. Allele origin: germline.
Comment: The ANKRD26 c.3G>A variant is predicted to disrupt the translation initiation site (Start loss). This variant has been reported in an individual with acute myeloid leukemia and an individual with myelodysplastic syndrome (Marconi et al. 2017. PubMed ID: 28100250; Table S3, Gilad et al. 2022. PubMed ID: 35295078). The functional study showed that this variant affects ANKRD26 gene expression (Marconi et al. 2017. PubMed ID: 28100250). This variant is reported in 0.052% of alleles in individuals of European (Non-Finnish) descent in gnomAD. At this time, the clinical significance of this variant is uncertain due to the absence of conclusive functional and genetic evidence.

GeneDx
Classification: Uncertain significance. Last evaluated: 2024-09-12. Review status: criteria provided, single submitter. Criteria: GeneDx Variant Classification Process June 2021. Collection method: clinical testing. Allele origin: germline. Affected: yes.
Comment: Initiation codon variant in a gene for which loss-of-function is not a known mechanism of disease; Identified in the germline of individuals with acute myeloid leukemia and/or persistent cytopenias referred for genetic testing at GeneDx and in published literature; however, some individuals harbored variants in other clinically relevant genes (PMID: 35295078, 36626254, 28100250); This variant is associated with the following publications: (PMID: 28100250, 32001092, 35295078, 36626254, 38493476)

St. Jude Molecular Pathology, St. Jude Children's Research Hospital
Classification: Uncertain significance for Thrombocytopenia 2. Last evaluated: 2024-02-23. Review status: criteria provided, single submitter. Criteria: St. Jude Assertion Criteria 2020. Collection method: clinical testing. Allele origin: germline.
Comment: The ANKRD26 c.3G>A (p.Met1?) change results in a G>A substitution at nucleotide position 3 of exon 1 of the ANKRD26 gene. This change is predicted to result in the loss of the initiation codon. However, a downstream methionine exists, and a functional study supports the use of this downstream methionine (PMID: 28100250). This variant has a maximum subpopulation frequency of 0.05% in gnomAD v2.1.1. This variant has been reported in individuals with acute myeloid leukemia and in an individual with thrombocytopenia and myelodysplastic syndrome (PMID: 28100250, 35295078). In summary, the evidence currently available is insufficient to determine the clinical significance of this variant. It has therefore been classified as of uncertain significance.

Genetics and Molecular Pathology, SA Pathology
Classification: Uncertain significance for Thrombocytopenia 2. Last evaluated: 2023-03-22. Review status: criteria provided, single submitter. Criteria: ACMG Guidelines, 2015. Collection method: clinical testing. Allele origin: germline. Inheritance: Autosomal dominant inheritance. Affected: yes.
Comment: The ANKRD26 c.3G>A variant is classified as a VARIANT OF UNCERTAIN SIGNIFICANCE (BS3) The ANKRD26 c.3G>A variant is a single nucleotide change which is predicted to result in loss of the start codon. Functional studies demonstrate that the variant results in the use of a downstream in-frame start codon and no effect on the protein function (PMID:28100250) (BS3). The variant has been reported in dbSNP (rs199683454) and as ?disease causing in the HGMD database (CM1727457). It has been reported as Conflicting interpretations of pathogenicity by other diagnostic laboratories (ClinVar Variation ID: 878948) and in population databases (gnomAD 30/152262 alleles, 0 hom, total allele frequency 0.019%). The variant has been detected in 2 patients with AML but not thrombocytopenia (PMID:28100250) as well as a child with inherited thrombocytopenia and myelodysplastic syndrome (PMID:35295078).

Genetic Services Laboratory, University of Chicago
Classification: Uncertain significance. Last evaluated: 2021-04-09. Review status: criteria provided, single submitter. Criteria: ACMG Guidelines, 2015. Collection method: clinical testing. Allele origin: germline. Affected: no.
Comment: DNA sequence analysis of the ANKRD26 gene demonstrated a sequence change, c.3G>A, in exon 1 that is predicted to disrupt the translational state site. This sequence change does not appear to have been previously described in individuals with ANKRD26-related disorders. This sequence change has been described in the gnomAD database with a frequency of 0.052% in the non-Finnish European subpopulation (dbSNP rs199683454). The majority of pathogenic variants described to date in ANKRD26 occur in the 5'UTR region of this gene, and disrupts the binding of RUNX1 and FLI1 leading to an increased expression of ANKRD26 (PMIDs: 21211618, 24430186). Due to these contrasting evidences and the lack of functional studies, the clinical significance of the c.3G>A change remains unknown at this time.

Illumina Laboratory Services, Illumina
Classification: Benign for Thrombocytopenia 2. Last evaluated: 2018-01-13. Review status: criteria provided, single submitter. Criteria: ICSL Variant Classification Criteria 13 December 2019. Collection method: clinical testing. Allele origin: germline.
Comment: This variant was observed in the ICSL laboratory as part of a predisposition screen in an ostensibly healthy population. It had not been previously curated by ICSL or reported in the Human Gene Mutation Database (HGMD: prior to June 1st, 2018), and was therefore a candidate for classification through an automated scoring system. Utilizing variant allele frequency, disease prevalence and penetrance estimates, and inheritance mode, an automated score was calculated to assess if this variant is too frequent to cause the disease. Based on the score and internal cut-off values, a variant classified as benign is not then subjected to further curation. The score for this variant resulted in a classification of benign for this disease.

Literature cited by the submitters: PubMed 35295078 (cited by Labcorp Genetics (formerly Invitae), Labcorp and Genetics and Molecular Pathology, SA Pathology); PubMed 28100250 (cited by Labcorp Genetics (formerly Invitae), Labcorp and Genetics and Molecular Pathology, SA Pathology).